The following is an entry in ClinVar:

NM_015102.5(NPHP4):c.3612G>A (p.Pro1204=)

Gene: NPHP4 (nephrocystin 4; minus strand). Cytogenetic location: 1p36.31.
Variant type: single nucleotide variant.
Coding change: c.3612G>A on transcript NM_015102.5 (MANE Select); coding-DNA position 3612, G replaced by A.
Protein change: p.Pro1204=; no amino-acid change (proline 1204 retained).
Molecular consequence: synonymous variant. On other transcripts: non-coding transcript variant (1).
Genome position (GRCh38, 1-based): chr1:5,866,405, C>T on the plus strand (G>A on the coding strand, the complement: NPHP4 is on the minus strand). VCF-style: chr1-5866405-C-T. GRCh37 (hg19) VCF-style: chr1-5926465-C-T.
Other names: c.2073G>A, p.Pro691= (NM_001291593.2); c.2076G>A, p.Pro692= (NM_001291594.2).
Identifiers: ClinVar variation 297793 (VCV000297793.23), dbSNP rs374003717, ClinGen allele CA553535.

ClinVar aggregate classification (germline): Conflicting classifications of pathogenicity. Review status: criteria provided, conflicting classifications (1 of 4 stars). 7 submissions from 6 submitters: Uncertain significance (4); Likely benign (2). 1 of the submissions does not count toward it. Last evaluated 2025-12-29.

Conditions:
Nephronophthisis. Also called: Juvenile Nephronophthisis. Identifiers: Orphanet 655, MedGen C0687120, MONDO:0019005, HP:0000090.
NPHP4-related disorder. Also called: NPHP4-related disorders; NPHP4-related condition. Identifiers: MedGen CN239384.
Senior-Loken syndrome 4 (SLSN4). Identifiers: Orphanet 3156, MedGen C1846979, MONDO:0011756, OMIM 606996.
Nephronophthisis 4 (NPHP4). Also called: NEPHRONOPHTHISIS 4, JUVENILE. Identifiers: Orphanet 655, MedGen C1847013, MONDO:0011752, OMIM 606966.

Allele frequency attached by ClinVar (database versions not stated): 1000 Genomes Project 0.00020; gnomAD exomes 0.00023 and 0.00039; ExAC 0.00028; 1000 Genomes Project 30x 0.00031; gnomAD 0.00035 and 0.00036; TOPMed 0.00040; ESP Exome Variant Server 0.00041.
gnomAD v4.1: 627 of 1,609,062 alleles (0.039%); highest among the groups gnomAD compares: Middle Eastern, 0.066%; 1 homozygote.

Submissions (7):

Labcorp Genetics (formerly Invitae), Labcorp
Classification: Likely benign for Nephronophthisis. Last evaluated: 2025-12-29. Review status: criteria provided, single submitter. Criteria: Invitae Variant Classification Sherloc (09022015). Collection method: clinical testing. Allele origin: germline.

Blueprint Genetics
Classification: Likely benign. Last evaluated: 2024-08-21. Review status: criteria provided, single submitter. Criteria: ACMG Guidelines, 2015. Collection method: clinical testing. Allele origin: germline.

Baylor Genetics
Classification: Uncertain significance for Nephronophthisis 4. Last evaluated: 2018-12-04. Review status: criteria provided, single submitter. Criteria: ACMG Guidelines, 2015. Collection method: clinical testing. Allele origin: paternal. Affected: yes.
Comment: This variant was determined to be of uncertain significance according to ACMG Guidelines, 2015 [PMID:25741868].

Illumina Laboratory Services, Illumina
Classification: Uncertain significance for Senior-Loken syndrome 4. Last evaluated: 2018-01-12. Review status: criteria provided, single submitter. Criteria: ICSL Variant Classification Criteria 13 December 2019. Collection method: clinical testing. Allele origin: germline.

Illumina Laboratory Services, Illumina
Classification: Uncertain significance for Nephronophthisis 4. Last evaluated: 2018-01-12. Review status: criteria provided, single submitter. Criteria: ICSL Variant Classification Criteria 13 December 2019. Collection method: clinical testing. Allele origin: germline.

Eurofins Ntd Llc (ga)
Classification: Uncertain significance. Last evaluated: 2017-04-11. Review status: criteria provided, single submitter. Criteria: EGL Classification Definitions 2015. Collection method: clinical testing. Allele origin: germline. Observed: 5 variant alleles, 5 heterozygotes.

PreventionGenetics, part of Exact Sciences
Classification: Likely benign for NPHP4-related condition. Last evaluated: 2021-05-25. Review status: no assertion criteria provided. Collection method: clinical testing. Allele origin: germline. Not counted in ClinVar's aggregate classification.
Comment: This variant is classified as likely benign based on ACMG/AMP sequence variant interpretation guidelines (Richards et al. 2015 PMID: 25741868, with internal and published modifications).